The following is an entry in ClinVar:

NM_000322.5(PRPH2):c.*1121A>C

Gene: PRPH2 (peripherin 2; minus strand). Cytogenetic location: 6p21.1.
Variant type: single nucleotide variant.
Coding change: c.*1121A>C on transcript NM_000322.5 (MANE Select); 1121 bases downstream of the stop codon, A replaced by C.
Molecular consequence: 3 prime UTR variant.
Genome position (GRCh38, 1-based): chr6:42,697,174, T>G on the plus strand (A>C on the coding strand, the complement: PRPH2 is on the minus strand). VCF-style: chr6-42697174-T-G. GRCh37 (hg19) VCF-style: chr6-42664912-T-G.
Identifiers: ClinVar variation 356754 (VCV000356754.5), dbSNP rs187919973, ClinGen allele CA10626870.

ClinVar aggregate classification (germline): Benign/Likely benign. Review status: criteria provided, single submitter (1 of 4 stars). 6 submissions from 1 submitter: Benign (3); Likely benign (3). Last evaluated 2018-01-13.

Conditions:
Retinitis pigmentosa (RP). Identifiers: Orphanet 791, MedGen C0035334, MeSH D012174, MONDO:0019200, OMIM 268000. Inheritance: Autosomal dominant, autosomal recessive and X linked inheritance.
Choroidal dystrophy, central areolar 2 (CACD2). Also called: MACULAR DYSTROPHY, PROGRESSIVE; Choriodal Dystrophy, Central Areolar 2. Identifiers: Orphanet 75377, MedGen C2751290, MONDO:0013137, OMIM 613105.
Pigmentary retinal dystrophy. Also called: Fundus albipunctatus. Identifiers: Orphanet 227796, Orphanet 52427, MedGen C0311338, MONDO:0007639, OMIM 136880, HP:0030642.
Cone-rod dystrophy. Also called: Cone/cone-rod dystrophy; Cone-rod degeneration. Identifiers: Orphanet 1872, MedGen C4085590, MONDO:0015993, HP:0000548.
Patterned macular dystrophy 1. Also called: BUTTERFLY DYSTROPHY OF RETINAL PIGMENT EPITHELIUM; MACULAR DYSTROPHY, BUTTERFLY-SHAPED PIGMENTARY. Identifiers: Orphanet 99001, MedGen C4551999, MONDO:0008210, OMIM 169150.
Adult-onset foveomacular vitelliform dystrophy. Also called: FOVEOMACULAR DYSTROPHY, ADULT-ONSET; FOVEOMACULAR DYSTROPHY, ADULT-ONSET, WITH OR WITHOUT CHOROIDAL NEOVASCULARIZATION; Adult onset vitelliform dystrophy. Identifiers: Orphanet 99000, MedGen C1842914, MONDO:0011979.

Allele frequency attached by ClinVar (database versions not stated): gnomAD 0.00004 and 0.00009; TOPMed 0.00018; 1000 Genomes Project 0.00060; 1000 Genomes Project 30x 0.00094.
gnomAD v4.1: 14 of 152,216 alleles (0.0092%); highest among the groups gnomAD compares: East Asian, 0.27%; no homozygotes.

Submissions (6):

Illumina Laboratory Services, Illumina
Classification: Likely benign for Retinitis pigmentosa. Last evaluated: 2018-01-13. Review status: criteria provided, single submitter. Criteria: ICSL Variant Classification Criteria 13 December 2019. Collection method: clinical testing. Allele origin: germline.
Comment: This variant was observed in the ICSL laboratory as part of a predisposition screen in an ostensibly healthy population. It had not been previously curated by ICSL or reported in the Human Gene Mutation Database (HGMD: prior to June 1st, 2018), and was therefore a candidate for classification through an automated scoring system. Utilizing variant allele frequency, disease prevalence and penetrance estimates, and inheritance mode, an automated score was calculated to assess if this variant is too frequent to cause the disease. Based on the score and internal cut-off values, a variant classified as likely benign is not then subjected to further curation. The score for this variant resulted in a classification of likely benign for this disease.

Illumina Laboratory Services, Illumina
Classification: Benign for Choroidal dystrophy, central areolar 2. Last evaluated: 2018-01-13. Review status: criteria provided, single submitter. Criteria: ICSL Variant Classification Criteria 13 December 2019. Collection method: clinical testing. Allele origin: germline.
Comment: This variant was observed in the ICSL laboratory as part of a predisposition screen in an ostensibly healthy population. It had not been previously curated by ICSL or reported in the Human Gene Mutation Database (HGMD: prior to June 1st, 2018), and was therefore a candidate for classification through an automated scoring system. Utilizing variant allele frequency, disease prevalence and penetrance estimates, and inheritance mode, an automated score was calculated to assess if this variant is too frequent to cause the disease. Based on the score and internal cut-off values, a variant classified as benign is not then subjected to further curation. The score for this variant resulted in a classification of benign for this disease.

Illumina Laboratory Services, Illumina
Classification: Likely benign for Patterned macular dystrophy 1. Last evaluated: 2018-01-13. Review status: criteria provided, single submitter. Criteria: ICSL Variant Classification Criteria 13 December 2019. Collection method: clinical testing. Allele origin: germline.
Comment: the same text as in the submission from Illumina Laboratory Services, Illumina above.

Illumina Laboratory Services, Illumina
Classification: Likely benign for Pigmentary retinal dystrophy. Last evaluated: 2018-01-13. Review status: criteria provided, single submitter. Criteria: ICSL Variant Classification Criteria 13 December 2019. Collection method: clinical testing. Allele origin: germline.
Comment: the same text as in the submission from Illumina Laboratory Services, Illumina above.

Illumina Laboratory Services, Illumina
Classification: Benign for Cone-rod dystrophy. Last evaluated: 2018-01-13. Review status: criteria provided, single submitter. Criteria: ICSL Variant Classification Criteria 13 December 2019. Collection method: clinical testing. Allele origin: germline.
Comment: the same text as in the submission from Illumina Laboratory Services, Illumina above.

Illumina Laboratory Services, Illumina
Classification: Benign for Vitelliform macular dystrophy 3. Last evaluated: 2018-01-13. Review status: criteria provided, single submitter. Criteria: ICSL Variant Classification Criteria 13 December 2019. Collection method: clinical testing. Allele origin: germline.
Comment: the same text as in the submission from Illumina Laboratory Services, Illumina above.